The following is an entry in ClinVar:

NM_003059.3(SLC22A4):c.844C>T (p.Arg282Ter)

Genes: MIR3936HG (MIR3936 host gene; minus strand), SLC22A4 (solute carrier family 22 member 4; plus strand). Cytogenetic location: 5q31.1.
Variant type: single nucleotide variant.
Coding change: c.844C>T on transcript NM_003059.3 (MANE Select); coding-DNA position 844, C replaced by T.
Protein change: p.Arg282Ter; replaces arginine 282 with a stop codon.
Molecular consequence: nonsense.
Genome position (GRCh38, 1-based): chr5:132,327,296, C>T. VCF-style: chr5-132327296-C-T. GRCh37 (hg19) VCF-style: chr5-131662989-C-T.
Other names: short protein forms R282*.
Identifiers: ClinVar variation 4977670 (VCV004977670.1).

ClinVar aggregate classification (germline): Uncertain significance (1 of 4 stars; one submission).

Conditions:
SLC22A4-related disorder. Also called: SLC22A4-related condition.

Submission:

PreventionGenetics, part of Exact Sciences
Classification: Uncertain significance for SLC22A4-related condition. Last evaluated: 2025-12-23. Review status: criteria provided, single submitter. Criteria: ACMG Guidelines, 2015. Collection method: clinical testing. Allele origin: germline.
Comment: The SLC22A4 c.844C>T variant is predicted to result in premature protein termination (p.Arg282*). This variant was reported in a healthy individual in a functional study finding it resulted in complete loss of organic cation transport function (Urban et al. 2007. PubMed ID: 17700366). This variant is reported in 0.037% of alleles in individuals of African descent in gnomAD. At this time, the clinical significance of this variant is uncertain due to the absence of conclusive functional and genetic evidence.